The following is an entry in ClinVar:

ClinVar aggregate classification (germline): Likely pathogenic (1 of 4 stars; one submission).

Submission:

Mayo Clinic Laboratories, Mayo Clinic
Classification: Likely pathogenic. Last evaluated: 2022-07-08. Review status: criteria provided, single submitter. Criteria: ACMG Guidelines, 2015. Collection method: clinical testing. Allele origin: germline. Observed: 1 variant allele.
Comment: PM2, PVS1

NM_001355436.2(SPTB):c.5949del (p.Lys1983fs)

Gene: SPTB (spectrin beta, erythrocytic; minus strand). Cytogenetic location: 14q23.3.
Variant type: Deletion.
Coding change: c.5949del on transcript NM_001355436.2 (MANE Select); coding-DNA position 5949, one base deleted (A; older notation c.5949delA).
Protein change: p.Lys1983fs; shifts the reading frame from lysine 1983.
Molecular consequence: frameshift variant.
Genome position (GRCh38, 1-based): chr14:64,769,107, T deleted on the plus strand (A on the coding strand, the reverse complement: SPTB is on the minus strand); the first of 3 consecutive T bases (chr14:64,769,107-64,769,109); deleting any one gives the same sequence. VCF-style (leftmost placement, unchanged base first): chr14-64769106-GT-G. GRCh37 (hg19) VCF-style: chr14-65235824-GT-G.
Other names: c.5949del, p.Lys1983fs (NM_001024858.4, NM_001355437.2); short protein forms K1983fs.
Identifiers: ClinVar variation 2683452 (VCV002683452.1), dbSNP rs2503038703, ClinGen allele CA2697553939.